The following is an entry in ClinVar:

NM_006393.3(NEBL):c.649G>A (p.Glu217Lys)

Gene: NEBL (nebulette; minus strand). Cytogenetic location: 10p12.31.
Variant type: single nucleotide variant.
Coding change: c.649G>A on transcript NM_006393.3 (MANE Select); coding-DNA position 649, G replaced by A.
Protein change: p.Glu217Lys; replaces glutamic acid 217 with lysine.
Molecular consequence: missense variant. On other transcripts: intron variant (9).
Genome position (GRCh38, 1-based): chr10:20,868,699, C>T on the plus strand (G>A on the coding strand, the complement: NEBL is on the minus strand). VCF-style: chr10-20868699-C-T. GRCh37 (hg19) VCF-style: chr10-21157628-C-T.
Other names: c.250-55759G>A (NM_001377326.1, NM_001377327.1, NM_001377328.1); c.358-55759G>A (NM_213569.2, NM_001173484.2, NM_001377322.1); c.301-55759G>A (NM_001377324.1); c.292-55759G>A (NM_001377325.1); c.310-55759G>A (NM_001377323.1); short protein forms E217K.
Identifiers: ClinVar variation 4118411 (VCV004118411.1).

ClinVar aggregate classification (germline): Uncertain significance (1 of 4 stars; one submission).

Submission:

Ambry Genetics
Classification: Uncertain significance. Last evaluated: 2025-08-24. Review status: criteria provided, single submitter. Criteria: Ambry Variant Classification Scheme 2023. Collection method: clinical testing. Allele origin: germline.
Comment: The p.E217K variant (also known as c.649G>A), located in coding exon 7 of the NEBL gene, results from a G to A substitution at nucleotide position 649. The glutamic acid at codon 217 is replaced by lysine, an amino acid with similar properties. This amino acid position is conserved. In addition, this alteration is predicted to be tolerated by in silico analysis. Based on the available evidence, the clinical significance of this variant remains unclear.